The following is an entry in ClinVar:

NM_001363118.2(SLC52A2):c.425G>A (p.Arg142His)

Gene: SLC52A2 (solute carrier family 52 member 2; plus strand). Cytogenetic location: 8q24.3.
Variant type: single nucleotide variant.
Coding change: c.425G>A on transcript NM_001363118.2 (MANE Select); coding-DNA position 425, G replaced by A.
Protein change: p.Arg142His; replaces arginine 142 with histidine.
Molecular consequence: missense variant. On other transcripts: non-coding transcript variant (1), intron variant (1).
Genome position (GRCh38, 1-based): chr8:144,359,917, G>A. VCF-style: chr8-144359917-G-A. GRCh37 (hg19) VCF-style: chr8-145583577-G-A.
Other names: c.425G>A, p.Arg142His (NM_001253815.2, NM_001253816.2, NM_001363120.2 and 2 more transcripts); c.131-198G>A (NM_001363122.2); short protein forms R142H.
Identifiers: ClinVar variation 540427 (VCV000540427.11), dbSNP rs560681538, ClinGen allele CA187657095.

ClinVar aggregate classification (germline): Uncertain significance. Review status: criteria provided, multiple submitters, no conflicts (2 of 4 stars). 3 submissions from 3 submitters: Uncertain significance (3). Last evaluated 2024-02-06.

Conditions:
Inborn genetic diseases. Identifiers: MedGen C0950123, MeSH D030342.
Brown-Vialetto-van Laere syndrome 2. Also called: Riboflavin transporter deficiency type 2; SPINOCEREBELLAR ATAXIA WITH BLINDNESS AND DEAFNESS 2. Identifiers: Orphanet 572543, Orphanet 97229, MedGen C3553538, MONDO:0013867, OMIM 614707.

Allele frequency attached by ClinVar (database versions not stated): TOPMed 0.00002.

Submissions (3):

Ambry Genetics
Classification: Uncertain significance for Inborn genetic diseases. Last evaluated: 2024-02-06. Review status: criteria provided, single submitter. Criteria: Ambry Variant Classification Scheme 2023. Collection method: clinical testing. Allele origin: germline.

Labcorp Genetics (formerly Invitae), Labcorp
Classification: Uncertain significance for Brown-Vialetto-van Laere syndrome 2. Last evaluated: 2022-05-31. Review status: criteria provided, single submitter. Criteria: Invitae Variant Classification Sherloc (09022015). Collection method: clinical testing. Allele origin: germline.
Comment: This sequence change replaces arginine, which is basic and polar, with histidine, which is basic and polar, at codon 142 of the SLC52A2 protein (p.Arg142His). This variant is present in population databases (rs560681538, gnomAD 0.01%). This variant has not been reported in the literature in individuals affected with SLC52A2-related conditions. ClinVar contains an entry for this variant (Variation ID: 540427). Advanced modeling of protein sequence and biophysical properties (such as structural, functional, and spatial information, amino acid conservation, physicochemical variation, residue mobility, and thermodynamic stability) performed at Invitae indicates that this missense variant is not expected to disrupt SLC52A2 protein function. In summary, the available evidence is currently insufficient to determine the role of this variant in disease. Therefore, it has been classified as a Variant of Uncertain Significance.

Mayo Clinic Laboratories, Mayo Clinic
Classification: Uncertain significance. Last evaluated: 2019-10-14. Review status: criteria provided, single submitter. Criteria: ACMG Guidelines, 2015. Collection method: clinical testing. Allele origin: germline. Observed: 1 variant allele.